The following is an entry in ClinVar:

ClinVar aggregate classification (germline): Pathogenic (1 of 4 stars; one submission).

Conditions:
X-linked Alport syndrome (ATS1). Also called: NEPHROPATHY AND DEAFNESS, X-LINKED; COL4A5-Related Nephropathy. Identifiers: Orphanet 63, Orphanet 88917, MedGen C4746986, MONDO:0010520, OMIM 301050.

Submission:

Centre de Génétique Humaine, Institut de Pathologie Et de Génétique
Classification: Pathogenic for X-linked Alport syndrome. Last evaluated: 2026-06-11. Review status: criteria provided, single submitter. Criteria: ACMG Guidelines, 2015. Collection method: clinical testing. Allele origin: maternal, de novo. Inheritance: X-linked dominant inheritance. Affected: yes. Observed: 3 variant alleles, 3 heterozygotes. Clinical features observed: Microscopic hematuria (HP:0002907), Macroscopic hematuria (HP:0012587), Severe albuminuria (HP:0033066), Moderate albuminuria (HP:0012594), Stage 2 chronic kidney disease (HP:0012624). Segregation with disease observed.
Comment: This 1pb duplication is a frameshift variant predicted to result in protein truncation or nonsense mediated decay in a gene for which loss-of-function is a known mechanism of disease (PVS1). This variant is rare: absent in gnomAD v4.1.0 database (PM2). Cosegragation in a family analysed in our lab (PP1)

NM_033380.3(COL4A5):c.3852dup (p.Gly1285fs)

Gene: COL4A5 (collagen type IV alpha 5 chain; plus strand). Cytogenetic location: Xq22.3.
Variant type: Duplication.
Coding change: c.3852dup on transcript NM_033380.3 (MANE Select); coding-DNA position 3852, one base duplicated (A; older notation c.3852dupA).
Protein change: p.Gly1285fs; shifts the reading frame from glycine 1285.
Molecular consequence: frameshift variant.
Genome position (GRCh38, 1-based): chrX:108,677,543, A duplicated. VCF-style (leftmost placement, unchanged base first): chrX-108677542-G-GA. GRCh37 (hg19) VCF-style: chrX-107920772-G-GA.
Other names: p.(Gly1285ArgfsTer3); c.3834dup, p.Gly1279fs (NM_000495.5); short protein forms G1279fs, G1285fs.
Identifiers: ClinVar variation 5041978 (VCV005041978.1).